The following is an entry in ClinVar:

NM_020297.4(ABCC9):c.586T>C (p.Phe196Leu)

Gene: ABCC9 (ATP binding cassette subfamily C member 9; minus strand). Cytogenetic location: 12p12.1.
Variant type: single nucleotide variant.
Coding change: c.586T>C on transcript NM_020297.4 (MANE Select); coding-DNA position 586, T replaced by C.
Protein change: p.Phe196Leu; replaces phenylalanine 196 with leucine.
Molecular consequence: missense variant. On other transcripts: intron variant (1).
Genome position (GRCh38, 1-based): chr12:21,915,898, A>G on the plus strand (T>C on the coding strand, the complement: ABCC9 is on the minus strand). VCF-style: chr12-21915898-A-G. GRCh37 (hg19) VCF-style: chr12-22068832-A-G.
Other names: c.586T>C, p.Phe196Leu (NM_001377273.1, NM_005691.4); c.-48-2832T>C (NM_001377274.1); short protein forms F196L.
Identifiers: ClinVar variation 3640518 (VCV003640518.2).

ClinVar aggregate classification (germline): Uncertain significance (1 of 4 stars; one submission).

Conditions:
Dilated cardiomyopathy 1O (CMD1O). Also called: CARDIOMYOPATHY, DILATED, WITH VENTRICULAR TACHYCARDIA. Identifiers: Orphanet 154, MedGen C1837839, MONDO:0012062, OMIM 608569.

Submission:

Labcorp Genetics (formerly Invitae), Labcorp
Classification: Uncertain significance for Dilated cardiomyopathy 1O. Last evaluated: 2024-02-13. Review status: criteria provided, single submitter. Criteria: Invitae Variant Classification Sherloc (09022015). Collection method: clinical testing. Allele origin: germline.
Comment: This sequence change replaces phenylalanine, which is neutral and non-polar, with leucine, which is neutral and non-polar, at codon 196 of the ABCC9 protein (p.Phe196Leu). This variant is not present in population databases (gnomAD no frequency). This variant has not been reported in the literature in individuals affected with ABCC9-related conditions. Advanced modeling of protein sequence and biophysical properties (such as structural, functional, and spatial information, amino acid conservation, physicochemical variation, residue mobility, and thermodynamic stability) performed at Invitae indicates that this missense variant is expected to disrupt ABCC9 protein function with a positive predictive value of 80%. In summary, the available evidence is currently insufficient to determine the role of this variant in disease. Therefore, it has been classified as a Variant of Uncertain Significance.